The following is an entry in ClinVar:

NM_000535.7(PMS2):c.1278T>G (p.Leu426=)

Gene: PMS2 (PMS1 homolog 2, mismatch repair system component; minus strand). Cytogenetic location: 7p22.1.
Variant type: single nucleotide variant.
Coding change: c.1278T>G on transcript NM_000535.7 (MANE Select); coding-DNA position 1278, T replaced by G.
Protein change: p.Leu426=; no amino-acid change (leucine 426 retained).
Molecular consequence: synonymous variant. On other transcripts: non-coding transcript variant (1).
Genome position (GRCh38, 1-based): chr7:5,987,487, A>C on the plus strand (T>G on the coding strand, the complement: PMS2 is on the minus strand). VCF-style: chr7-5987487-A-C. GRCh37 (hg19) VCF-style: chr7-6027118-A-C.
Other names: c.873T>G, p.Leu291= (NM_001322003.2, NM_001322004.2, NM_001322005.2 and 1 more transcripts); c.1122T>G, p.Leu374= (NM_001322006.2); c.960T>G, p.Leu320= (NM_001322007.2, NM_001322008.2); c.717T>G, p.Leu239= (NM_001322010.2); c.345T>G, p.Leu115= (NM_001322011.2, NM_001322012.2); c.705T>G, p.Leu235= (NM_001322013.2); c.1278T>G, p.Leu426= (NM_001322014.2); c.969T>G, p.Leu323= (NM_001322015.2).
Identifiers: ClinVar variation 525874 (VCV000525874.9), dbSNP rs1554297963, ClinGen allele CA453748000.

ClinVar aggregate classification (germline): Benign/Likely benign. Review status: criteria provided, multiple submitters, no conflicts (2 of 4 stars). 2 submissions from 2 submitters: Benign (1); Likely benign (1). Last evaluated 2026-01-18.

Conditions:
Hereditary nonpolyposis colorectal neoplasms. Identifiers: MedGen C0009405, MeSH D003123.
Lynch syndrome 4 (LYNCH4). Also called: Colorectal cancer, hereditary nonpolyposis, type 4; Hereditary non-polyposis colorectal cancer, type 4. Identifiers: Orphanet 144, MedGen C1838333, MONDO:0013699, OMIM 614337. Disease mechanism: loss of function.

Allele frequency attached by ClinVar (database versions not stated): TOPMed below 0.00001.

Submissions (2):

Labcorp Genetics (formerly Invitae), Labcorp
Classification: Likely benign for Hereditary nonpolyposis colorectal neoplasms. Last evaluated: 2026-01-18. Review status: criteria provided, single submitter. Criteria: Invitae Variant Classification Sherloc (09022015). Collection method: clinical testing. Allele origin: germline.

Myriad Genetics, Inc.
Classification: Benign for Lynch syndrome 4. Last evaluated: 2025-01-30. Review status: criteria provided, single submitter. Criteria: Myriad Autosomal Dominant, Autosomal Recessive and X-Linked Classification Criteria (2023). Collection method: clinical testing. Allele origin: unknown.
Comment: This variant is considered benign. This variant is a silent/synonymous amino acid change and it is not expected to impact splicing.